The following is an entry in ClinVar:

ClinVar aggregate classification (germline): Uncertain significance. Review status: criteria provided, multiple submitters, no conflicts (2 of 4 stars). 4 submissions from 4 submitters: Uncertain significance (4). Last evaluated 2025-11-14.

Conditions:
Hereditary diffuse gastric adenocarcinoma (HDGC). Also called: DIFFUSE GASTRIC AND LOBULAR BREAST CANCER SYNDROME. Identifiers: Orphanet 26106, MedGen C1708349, MONDO:0007648, OMIM 137215.
Blepharocheilodontic syndrome 1 (BCDS1). Identifiers: Orphanet 1997, MedGen C4551988, MONDO:0054740, OMIM 119580.
Familial cancer of breast. Also called: BREAST CANCER, FAMILIAL; hereditary breast carcinoma; Hereditary breast cancer. Identifiers: Orphanet 227535, MedGen C0346153, MONDO:0016419, OMIM 114480. Disease mechanism: loss of function.
Endometrial carcinoma. Also called: Endometrial carcinoma, somatic. Identifiers: MedGen C0476089, MONDO:0002447, OMIM 608089, HP:0012114.
Ovarian cancer. Also called: OVARIAN CANCER, SOMATIC. Identifiers: Orphanet 213500, MedGen C1140680, MONDO:0008170, OMIM 167000.
Hereditary cancer-predisposing syndrome. Also called: Tumor predisposition; Neoplastic Syndromes, Hereditary; Hereditary Cancer Syndrome; Hereditary neoplastic syndrome. Identifiers: Orphanet 140162, MedGen C0027672, MeSH D009386, MONDO:0015356.

gnomAD v4.1: 1 of 1,614,040 alleles (0.000062%); highest among the groups gnomAD compares: African/African-American, 0.0013%; no homozygotes.

Submissions (4):

Labcorp Genetics (formerly Invitae), Labcorp
Classification: Uncertain significance for Hereditary diffuse gastric adenocarcinoma. Last evaluated: 2025-11-14. Review status: criteria provided, single submitter. Criteria: Invitae Variant Classification Sherloc (09022015). Collection method: clinical testing. Allele origin: germline.
Comment: This sequence change replaces methionine, which is neutral and non-polar, with valine, which is neutral and non-polar, at codon 875 of the CDH1 protein (p.Met875Val). This variant is not present in population databases (gnomAD no frequency). This variant has not been reported in the literature in individuals affected with CDH1-related conditions. ClinVar contains an entry for this variant (Variation ID: 489858). An algorithm developed to predict the effect of missense changes on protein structure and function (PolyPhen-2) suggests that this variant is likely to be disruptive. In summary, the available evidence is currently insufficient to determine the role of this variant in disease. Therefore, it has been classified as a Variant of Uncertain Significance.

Fulgent Genetics
Classification: Uncertain significance for Familial cancer of breast; Blepharocheilodontic syndrome 1; Hereditary diffuse gastric adenocarcinoma; Ovarian cancer; Endometrial carcinoma. Last evaluated: 2024-06-14. Review status: criteria provided, single submitter. Criteria: ACMG Guidelines, 2015. Collection method: clinical testing. Allele origin: germline.

Color Diagnostics, LLC DBA Color Health
Classification: Uncertain significance for Hereditary cancer-predisposing syndrome. Last evaluated: 2023-12-05. Review status: criteria provided, single submitter. Criteria: ACMG Guidelines, 2015. Collection method: clinical testing. Allele origin: germline.
Comment: This missense variant replaces methionine with valine at codon 875 of the CDH1 protein. To our knowledge, functional studies have not been reported for this variant. This variant has not been reported in individuals affected with CDH1-related disorders in the literature. This variant has not been identified in the general population by the Genome Aggregation Database (gnomAD). The available evidence is insufficient to determine the role of this variant in disease conclusively. Therefore, this variant is classified as a Variant of Uncertain Significance.

GeneDx
Classification: Uncertain significance. Last evaluated: 2019-10-24. Review status: criteria provided, single submitter. Criteria: GeneDx Variant Classification Process June 2021. Collection method: clinical testing. Allele origin: germline. Affected: yes.
Comment: Not observed in large population cohorts (Lek 2016); In silico analysis, which includes protein predictors and evolutionary conservation, supports a deleterious effect; Has not been previously published as pathogenic or benign to our knowledge

NM_004360.5(CDH1):c.2623A>G (p.Met875Val)

Gene: CDH1 (cadherin 1; plus strand). Cytogenetic location: 16q22.1.
Variant type: single nucleotide variant.
Coding change: c.2623A>G on transcript NM_004360.5 (MANE Select); coding-DNA position 2623, A replaced by G.
Protein change: p.Met875Val; replaces methionine 875 with valine.
Molecular consequence: missense variant.
Genome position (GRCh38, 1-based): chr16:68,833,473, A>G. VCF-style: chr16-68833473-A-G. GRCh37 (hg19) VCF-style: chr16-68867376-A-G.
Other names: c.2623A>G (LRG_301t1); c.2440A>G, p.Met814Val (NM_001317184.2); c.1075A>G, p.Met359Val (NM_001317185.2); c.658A>G, p.Met220Val (NM_001317186.2); short protein forms M875V, M220V, M359V, M814V.
Identifiers: ClinVar variation 489858 (VCV000489858.18), dbSNP rs1555518287, ClinGen allele CA396472802.